The following is an entry in ClinVar:

ClinVar aggregate classification (germline): Uncertain significance. Review status: criteria provided, multiple submitters, no conflicts (2 of 4 stars). 2 submissions from 2 submitters: Uncertain significance (2). Last evaluated 2026-04-17.

Conditions:
Cystic fibrosis (CF). Also called: MUCOVISCIDOSIS. Identifiers: Orphanet 586, MedGen C0010674, MONDO:0009061, OMIM 219700. Disease mechanism: loss of function.

gnomAD v4.1: 2 of 1,613,926 alleles (0.00012%); highest among the groups gnomAD compares: African/African-American, 0.0013%; no homozygotes.

Submissions (2):

Women's Health and Genetics/Laboratory Corporation of America, LabCorp
Classification: Uncertain significance. Last evaluated: 2026-04-17. Review status: criteria provided, single submitter. Criteria: LabCorp Variant Classification Summary - May 2015. Collection method: clinical testing. Allele origin: germline.
Comment: Variant summary: CFTR c.1039C>A (p.Arg347Ser) results in a non-conservative amino acid change in the encoded protein sequence. Algorithms developed to predict the effect of missense changes on protein structure and function all suggest that this variant is likely to be disruptive. The variant allele was found at a frequency of 4e-06 in 251162 control chromosomes. To our knowledge, no occurrence of c.1039C>A in individuals affected with CFTR-related conditions has been reported. One publication reports experimental evidence evaluating an impact on protein function, however, does not allow convincing conclusions about the variant effect (example, Yeh_2019). Multiple variants located at the same codon (c.1040G>A, p.Arg347His; c.1040G>C, p.Arg347Pro) have been classified as Pathogenic/Likely Pathogenic by our lab, supporting a critical relevance of this residue to CFTR protein function. The following publication have been ascertained in the context of this evaluation (PMID: 31164398). ClinVar contains an entry for this variant (Variation ID: 1773474). Based on the evidence outlined above, the variant was classified as VUS-possibly pathogenic.

Ambry Genetics
Classification: Uncertain significance for Cystic fibrosis. Last evaluated: 2024-11-07. Review status: criteria provided, single submitter. Criteria: Ambry Variant Classification Scheme 2023. Collection method: clinical testing. Allele origin: germline.
Comment: The p.R347S variant (also known as c.1039C>A), located in coding exon 8 of the CFTR gene, results from a C to A substitution at nucleotide position 1039. The arginine at codon 347 is replaced by serine, an amino acid with dissimilar properties. This amino acid position is highly conserved in available vertebrate species. Based on internal structural analysis, this alteration is considered to be mildly destabilizing to the local structure (Ambry internal data). In addition, this alteration is predicted to be deleterious by in silico analysis. Based on the available evidence, the clinical significance of this variant remains unclear.

Literature cited by the submitters: PubMed 31164398 (cited by Women's Health and Genetics/Laboratory Corporation of America, LabCorp).

NM_000492.4(CFTR):c.1039C>A (p.Arg347Ser)

Gene: CFTR (CF transmembrane conductance regulator; plus strand). Cytogenetic location: 7q31.2.
Variant type: single nucleotide variant.
Coding change: c.1039C>A on transcript NM_000492.4 (MANE Select); coding-DNA position 1039, C replaced by A.
Protein change: p.Arg347Ser; replaces arginine 347 with serine.
Molecular consequence: missense variant.
Genome position (GRCh38, 1-based): chr7:117,540,269, C>A. VCF-style: chr7-117540269-C-A. GRCh37 (hg19) VCF-style: chr7-117180323-C-A.
Other names: short protein forms R347S.
Identifiers: ClinVar variation 1773474 (VCV001773474.4), dbSNP rs397508147, ClinGen allele CA164953854.
Genomic context (GRCh38, chr7:117,540,269, plus strand): 5'-CTAATCAAAGGAATCATCCTCCGGAAAATATTCACCACCATCTCATTCTGCATTGTTCTG[C>A]GCATGGCGGTCACTCGGCAATTTCCCTGGGCTGTACAAACATGGTATGACTCTCTTGGAG-3'
Protein context (NP_000483.3, residues 337-357): FTTISFCIVL[Arg347Ser]MAVTRQFPWA